The following is an entry in ClinVar:

ClinVar aggregate classification (germline): Uncertain significance (1 of 4 stars; one submission).

Conditions:
Familial focal epilepsy with variable foci (FPEVF). Identifiers: Orphanet 98820, MedGen C1858477, MONDO:0020310.

Allele frequency attached by ClinVar (database versions not stated): gnomAD 0.00001; TOPMed 0.00001; gnomAD exomes 0.00002; ExAC 0.00005.
gnomAD v4.1: 10 of 1,613,868 alleles (0.00062%); highest among the groups gnomAD compares: Admixed American, 0.017%; no homozygotes.

Submission:

Labcorp Genetics (formerly Invitae), Labcorp
Classification: Uncertain significance for Familial focal epilepsy with variable foci. Last evaluated: 2025-08-02. Review status: criteria provided, single submitter. Criteria: Invitae Variant Classification Sherloc (09022015). Collection method: clinical testing. Allele origin: germline.
Comment: This sequence change replaces threonine, which is neutral and polar, with serine, which is neutral and polar, at codon 103 of the DEPDC5 protein (p.Thr103Ser). This variant is present in population databases (rs778746859, gnomAD 0.02%). This missense change has been observed in individual(s) with clinical features of DEPDC5-related conditions (internal data). ClinVar contains an entry for this variant (Variation ID: 1016703). Experimental studies and prediction algorithms are not available or were not evaluated, and the functional significance of this variant is currently unknown. In summary, the available evidence is currently insufficient to determine the role of this variant in disease. Therefore, it has been classified as a Variant of Uncertain Significance.

NM_001242896.3(DEPDC5):c.307A>T (p.Thr103Ser)

Gene: DEPDC5 (DEP domain containing 5, GATOR1 subcomplex subunit; plus strand). Cytogenetic location: 22q12.2.
Variant type: single nucleotide variant.
Coding change: c.307A>T on transcript NM_001242896.3 (MANE Select); coding-DNA position 307, A replaced by T.
Protein change: p.Thr103Ser; replaces threonine 103 with serine.
Molecular consequence: missense variant. On other transcripts: non-coding transcript variant (5), intron variant (2).
Genome position (GRCh38, 1-based): chr22:31,766,612, A>T. VCF-style: chr22-31766612-A-T. GRCh37 (hg19) VCF-style: chr22-32162598-A-T.
Other names: c.307A>T, p.Thr103Ser (NM_001007188.4, NM_001136029.4, NM_001242897.2 and 7 more transcripts); c.279+1552A>T (NM_001369902.1, NM_001369901.1); short protein forms T103S.
Identifiers: ClinVar variation 1016703 (VCV001016703.8), dbSNP rs778746859, ClinGen allele CA10195912.